The following is an entry in ClinVar:

NM_002528.7(NTHL1):c.215A>C (p.Glu72Ala)

Gene: NTHL1 (nth like DNA glycosylase 1; minus strand). Cytogenetic location: 16p13.3.
Variant type: single nucleotide variant.
Coding change: c.215A>C on transcript NM_002528.7 (MANE Select); coding-DNA position 215, A replaced by C.
Protein change: p.Glu72Ala; replaces glutamic acid 72 with alanine.
Molecular consequence: missense variant. On other transcripts: intron variant (1).
Genome position (GRCh38, 1-based): chr16:2,046,267, T>G on the plus strand (A>C on the coding strand, the complement: NTHL1 is on the minus strand). VCF-style: chr16-2046267-T-G. GRCh37 (hg19) VCF-style: chr16-2096268-T-G.
Other names: c.215A>C, p.Glu72Ala (NM_001318193.2); c.24+13A>C (NM_001318194.2); short protein forms E72A.
Identifiers: ClinVar variation 2753028 (VCV002753028.3), dbSNP rs1232383882, ClinGen allele CA394297500.

ClinVar aggregate classification (germline): Uncertain significance (1 of 4 stars; one submission).

Submission:

Labcorp Genetics (formerly Invitae), Labcorp
Classification: Uncertain significance. Last evaluated: 2024-04-23. Review status: criteria provided, single submitter. Criteria: Invitae Variant Classification Sherloc (09022015). Collection method: clinical testing. Allele origin: germline.
Comment: This sequence change replaces glutamic acid, which is acidic and polar, with alanine, which is neutral and non-polar, at codon 80 of the NTHL1 protein (p.Glu80Ala). This variant is not present in population databases (gnomAD no frequency). This variant has not been reported in the literature in individuals affected with NTHL1-related conditions. An algorithm developed to predict the effect of missense changes on protein structure and function (PolyPhen-2) suggests that this variant is likely to be tolerated. In summary, the available evidence is currently insufficient to determine the role of this variant in disease. Therefore, it has been classified as a Variant of Uncertain Significance.